The following is an entry in ClinVar:

NM_000545.8(HNF1A):c.1509C>G (p.Tyr503Ter)

Gene: HNF1A (HNF1 homeobox A; plus strand). Cytogenetic location: 12q24.31.
Variant type: single nucleotide variant.
Coding change: c.1509C>G on transcript NM_000545.8 (MANE Select); coding-DNA position 1509, C replaced by G.
Protein change: p.Tyr503Ter; replaces tyrosine 503 with a stop codon.
Molecular consequence: nonsense.
Genome position (GRCh38, 1-based): chr12:120,999,275, C>G. VCF-style: chr12-120999275-C-G. GRCh37 (hg19) VCF-style: chr12-121437078-C-G.
Other names: c.1509C>G, p.Tyr503Ter (NM_001306179.2); c.1317C>G, p.Tyr439Ter (NM_001406915.1); short protein forms Y439*, Y503*.
Identifiers: ClinVar variation 3907574 (VCV003907574.1).

ClinVar aggregate classification (germline): Pathogenic (1 of 4 stars; one submission).

Conditions:
Maturity-onset diabetes of the young (MODY). Also called: Maturity onset diabetes mellitus in young. Identifiers: Orphanet 552, MedGen C0342276, MONDO:0018911, HP:0004904.

Submission:

Women's Health and Genetics/Laboratory Corporation of America, LabCorp
Classification: Pathogenic for Maturity-onset diabetes of the young. Last evaluated: 2025-06-23. Review status: criteria provided, single submitter. Criteria: LabCorp Variant Classification Summary - May 2015. Collection method: clinical testing. Allele origin: germline.
Comment: Variant summary: HNF1A c.1509C>G (p.Tyr503X) results in a premature termination codon, predicted to cause a truncation of the encoded protein or absence of the protein due to nonsense mediated decay, which are commonly known mechanisms for disease. The variant was absent in 250926 control chromosomes (gnomAD). To our knowledge, no occurrence of c.1509C>G in individuals affected with Maturity Onset Diabetes Of The Young 3 and no experimental evidence demonstrating its impact on protein function have been reported. No submitters have cited clinical-significance assessments for this variant to ClinVar. Based on the evidence outlined above, the variant was classified as pathogenic.